The following is an entry in ClinVar:

NM_004329.3(BMPR1A):c.454C>G (p.Arg152Gly)

Gene: BMPR1A (bone morphogenetic protein receptor type 1A; plus strand). Cytogenetic location: 10q23.2.
Variant type: single nucleotide variant.
Coding change: c.454C>G on transcript NM_004329.3 (MANE Select); coding-DNA position 454, C replaced by G.
Protein change: p.Arg152Gly; replaces arginine 152 with glycine.
Molecular consequence: missense variant.
Genome position (GRCh38, 1-based): chr10:86,900,050, C>G. VCF-style: chr10-86900050-C-G. GRCh37 (hg19) VCF-style: chr10-88659807-C-G.
Other names: short protein forms R152G.
Identifiers: ClinVar variation 486800 (VCV000486800.13), dbSNP rs1131691178, ClinGen allele CA377450228.

ClinVar aggregate classification (germline): Uncertain significance. Review status: criteria provided, multiple submitters, no conflicts (2 of 4 stars). 4 submissions from 4 submitters: Uncertain significance (4). Last evaluated 2025-09-19.

Conditions:
Juvenile polyposis syndrome (JPS). Identifiers: Orphanet 2929, MedGen C0345893, MONDO:0017380, OMIM 174900.
Hereditary cancer-predisposing syndrome. Also called: Tumor predisposition; Neoplastic Syndromes, Hereditary; Hereditary Cancer Syndrome; Hereditary neoplastic syndrome. Identifiers: Orphanet 140162, MedGen C0027672, MeSH D009386, MONDO:0015356.

Allele frequency attached by ClinVar (database versions not stated): gnomAD exomes below 0.00001; TOPMed below 0.00001; gnomAD 0.00001.
gnomAD v4.1: 2 of 1,613,964 alleles (0.00012%); highest among the groups gnomAD compares: Admixed American, 0.0017%; no homozygotes.

Submissions (4):

Women's Health and Genetics/Laboratory Corporation of America, LabCorp
Classification: Uncertain significance. Last evaluated: 2025-09-19. Review status: criteria provided, single submitter. Criteria: LabCorp Variant Classification Summary - May 2015. Collection method: clinical testing. Allele origin: germline.

Labcorp Genetics (formerly Invitae), Labcorp
Classification: Uncertain significance for Juvenile polyposis syndrome. Last evaluated: 2025-07-30. Review status: criteria provided, single submitter. Criteria: Invitae Variant Classification Sherloc (09022015). Collection method: clinical testing. Allele origin: germline.
Comment: This sequence change replaces arginine, which is basic and polar, with glycine, which is neutral and non-polar, at codon 152 of the BMPR1A protein (p.Arg152Gly). This variant is not present in population databases (gnomAD no frequency). This variant has not been reported in the literature in individuals affected with BMPR1A-related conditions. ClinVar contains an entry for this variant (Variation ID: 486800). Invitae Evidence Modeling of protein sequence and biophysical properties (such as structural, functional, and spatial information, amino acid conservation, physicochemical variation, residue mobility, and thermodynamic stability) indicates that this missense variant is not expected to disrupt BMPR1A protein function with a negative predictive value of 80%. In summary, the available evidence is currently insufficient to determine the role of this variant in disease. Therefore, it has been classified as a Variant of Uncertain Significance.

Color Diagnostics, LLC DBA Color Health
Classification: Uncertain significance for Hereditary cancer-predisposing syndrome. Last evaluated: 2025-03-24. Review status: criteria provided, single submitter. Criteria: ACMG Guidelines, 2015. Collection method: clinical testing. Allele origin: germline.
Comment: This missense variant replaces arginine with glycine at codon 152 of the BMPR1A protein. Computational prediction suggests that this variant may not impact protein structure and function (internally defined REVEL score threshold <= 0.5, PMID: 27666373). To our knowledge, functional studies have not been reported for this variant. This variant has not been reported in individuals affected with BMPR1A-related disorders in the literature. This variant has not been identified in the general population by the Genome Aggregation Database (gnomAD). The available evidence is insufficient to determine the role of this variant in disease conclusively. Therefore, this variant is classified as a Variant of Uncertain Significance.

Ambry Genetics
Classification: Uncertain significance for Hereditary cancer-predisposing syndrome. Last evaluated: 2021-11-26. Review status: criteria provided, single submitter. Criteria: Ambry Variant Classification Scheme 2023. Collection method: clinical testing. Allele origin: germline.
Comment: The p.R152G variant (also known as c.454C>G), located in coding exon 5 of the BMPR1A gene, results from a C to G substitution at nucleotide position 454. The arginine at codon 152 is replaced by glycine, an amino acid with dissimilar properties. This amino acid position is well conserved in available vertebrate species. In addition, the in silico prediction for this alteration is inconclusive. Since supporting evidence is limited at this time, the clinical significance of this alteration remains unclear.